The following is an entry in ClinVar:

ClinVar aggregate classification (germline): Uncertain significance (1 of 4 stars; one submission).

Conditions:
Nephronophthisis. Also called: Juvenile Nephronophthisis. Identifiers: Orphanet 655, MedGen C0687120, MONDO:0019005, HP:0000090.

Submission:

Labcorp Genetics (formerly Invitae), Labcorp
Classification: Uncertain significance for Nephronophthisis. Last evaluated: 2020-07-01. Review status: criteria provided, single submitter. Criteria: Invitae Variant Classification Sherloc (09022015). Collection method: clinical testing. Allele origin: germline.
Comment: Algorithms developed to predict the effect of missense changes on protein structure and function are either unavailable or do not agree on the potential impact of this missense change (SIFT: "Deleterious"; PolyPhen-2: "Probably Damaging"; Align-GVGD: "Class C15"). In summary, the available evidence is currently insufficient to determine the role of this variant in disease. Therefore, it has been classified as a Variant of Uncertain Significance. This variant has not been reported in the literature in individuals with IQCB1-related conditions. This variant is not present in population databases (ExAC no frequency). This sequence change replaces glutamine with histidine at codon 123 of the IQCB1 protein (p.Gln123His). The glutamine residue is highly conserved and there is a small physicochemical difference between glutamine and histidine.

NM_001023570.4(IQCB1):c.369A>T (p.Gln123His)

Gene: IQCB1 (IQ motif containing B1; minus strand). Cytogenetic location: 3q13.33.
Variant type: single nucleotide variant.
Coding change: c.369A>T on transcript NM_001023570.4 (MANE Select); coding-DNA position 369, A replaced by T.
Protein change: p.Gln123His; replaces glutamine 123 with histidine.
Molecular consequence: missense variant. On other transcripts: non-coding transcript variant (1).
Genome position (GRCh38, 1-based): chr3:121,826,075, T>A on the plus strand (A>T on the coding strand, the complement: IQCB1 is on the minus strand). VCF-style: chr3-121826075-T-A. GRCh37 (hg19) VCF-style: chr3-121544922-T-A.
Other names: c.369A>T, p.Gln123His (NM_001023571.4, NM_001319107.2); short protein forms Q123H.
Identifiers: ClinVar variation 1052776 (VCV001052776.9), dbSNP rs970350621, ClinGen allele CA354111452.
Genomic context (GRCh38, chr3:121,826,075, plus strand): 5'-ACTGATTTAGCTACAAAAGACTAAATAAACACATACCTTAGCTGCATTGATAAAACATGT[T>A]TGTAATTGTCTCCCCAAAACTAGAAAATTTTCTGCAGCTGATGGAAGTAATTCATTGTAA-3'
Protein context (NP_001018864.2, residues 113-133): ENFLVLGRQL[Gln123His]TCFINAAKAE